The following is an entry in ClinVar:

NM_001365276.2(TNXB):c.6755T>C (p.Leu2252Pro)

Gene: TNXB (tenascin XB; minus strand). Cytogenetic location: 6p21.33.
Variant type: single nucleotide variant.
Coding change: c.6755T>C on transcript NM_001365276.2 (MANE Select); coding-DNA position 6755, T replaced by C.
Protein change: p.Leu2252Pro; replaces leucine 2252 with proline.
Molecular consequence: missense variant.
Genome position (GRCh38, 1-based): chr6:32,064,907, A>G on the plus strand (T>C on the coding strand, the complement: TNXB is on the minus strand). VCF-style: chr6-32064907-A-G. GRCh37 (hg19) VCF-style: chr6-32032684-A-G.
Other names: c.6755T>C, p.Leu2252Pro (NM_019105.8); short protein forms L2252P.
Identifiers: ClinVar variation 1308172 (VCV001308172.6), dbSNP rs369271286, ClinGen allele CA3734340.
Genomic context (GRCh38, chr6:32,064,907, plus strand): 5'-CCCACGCGCTGGCCACCGTGGAAGCCGTACAGGTTCATCTTGTACTTGTGGTCTGGCTCC[A>G]GGCCCGAGATGGTGACCCCATCCTCGTGTCCCGGCACCCGCACCGCCTTGGGCTGCCCGT-3'
Protein context (NP_001352205.1, residues 2242-2262): GHEDGVTISG[Leu2252Pro]EPDHKYKMNL

ClinVar aggregate classification (germline): Uncertain significance. Review status: criteria provided, multiple submitters, no conflicts (2 of 4 stars). 2 submissions from 2 submitters: Uncertain significance (2). Last evaluated 2024-03-19.

Conditions:
Cardiovascular phenotype. Identifiers: MedGen CN230736.

Allele frequency attached by ClinVar (database versions not stated): gnomAD exomes below 0.00001; ExAC 0.00001; gnomAD 0.00001; TOPMed 0.00001; ESP Exome Variant Server 0.00013.
gnomAD v4.1: 1 of 1,612,694 alleles (0.000062%); highest among the groups gnomAD compares: Non-Finnish European, 0.000085%; no homozygotes.

Submissions (2):

GeneDx
Classification: Uncertain significance. Last evaluated: 2024-03-19. Review status: criteria provided, single submitter. Criteria: GeneDx Variant Classification Process June 2021. Collection method: clinical testing. Allele origin: germline. Affected: yes.
Comment: Has not been previously published as pathogenic or benign to our knowledge; Not observed at significant frequency in large population cohorts (gnomAD); In silico analysis supports that this missense variant has a deleterious effect on protein structure/function

Ambry Genetics
Classification: Uncertain significance for Cardiovascular phenotype. Last evaluated: 2023-03-27. Review status: criteria provided, single submitter. Criteria: Ambry Variant Classification Scheme 2023. Collection method: clinical testing. Allele origin: germline.